The following is an entry in ClinVar:

NM_003400.4(XPO1):c.1693_1694del (p.Val565fs)

Gene: XPO1 (exportin 1; minus strand). Cytogenetic location: 2p15.
Variant type: Deletion.
Coding change: c.1693_1694del on transcript NM_003400.4 (MANE Select); coding-DNA positions 1693 to 1694, 2 bases deleted (GT; older notation c.1693_1694delGT).
Protein change: p.Val565fs; shifts the reading frame from valine 565.
Molecular consequence: frameshift variant.
Genome position (GRCh38, 1-based): chr2:61,492,354-61,492,355, AC deleted on the plus strand (GT on the coding strand, the reverse complement: XPO1 is on the minus strand); deleting any 2 consecutive bases within chr2:61,492,354-61,492,356 gives the same sequence; the c. name uses the placement nearest the transcript's 3' end. VCF-style (leftmost placement, unchanged base first): chr2-61492353-TAC-T. GRCh37 (hg19) VCF-style: chr2-61719488-TAC-T.
Other names: c.1693_1694del, p.Val565fs (NM_001410799.1); short protein forms V565fs.
Identifiers: ClinVar variation 4076603 (VCV004076603.2).
Genomic context (GRCh38, chr2:61,492,353, plus strand): 5'-AAAAGCAAAATATAGTAAAGAAAGAGATTTACCATGCATGAATTCGAACAGCTTGTTAAC[TAC>T]AGTCTTCAGAAATTTCCAGTGAGCTCTCAAAAAACGTGGGTATTGACCTACTATGTACAT-3'

ClinVar aggregate classification (germline): Uncertain significance. Review status: criteria provided, multiple submitters, no conflicts (2 of 4 stars). 2 submissions from 2 submitters: Uncertain significance (2). Last evaluated 2023-12-27.

Submissions (2):

Blueprint Genetics
Classification: Uncertain significance. Last evaluated: 2023-12-27. Review status: criteria provided, single submitter. Criteria: ACMG Guidelines, 2015. Collection method: clinical testing. Allele origin: germline.

GeneDx
Classification: Uncertain significance. Last evaluated: 2023-10-12. Review status: criteria provided, single submitter. Criteria: GeneDx Variant Classification Process June 2021. Collection method: clinical testing. Allele origin: germline. Affected: yes.
Comment: Identified in an individual with premature ovarian insufficiency and diminished ovarian reserve who also harbored variants in the NRIP1 and RSPO1 genes (Jaillard et al., 2020); Frameshift variant predicted to result in protein truncation or nonsense mediated decay in a gene or region of a gene for which loss of function is not a well-established mechanism of disease; Not observed at significant frequency in large population cohorts (gnomAD); Variants in candidate genes are classified as variants of uncertain significance in accordance with ACMG guidelines (Richards et al., 2015); This variant is associated with the following publications: (PMID: 33036707)